The following is an entry in ClinVar:

NM_007294.4(BRCA1):c.4396dup (p.Ser1466fs)

Gene: BRCA1 (BRCA1 DNA repair associated; minus strand). Cytogenetic location: 17q21.31.
Variant type: Duplication.
Coding change: c.4396dup on transcript NM_007294.4 (MANE Select); coding-DNA position 4396, one base duplicated (A; older notation c.4396dupA).
Protein change: p.Ser1466fs; shifts the reading frame from serine 1466.
Molecular consequence: frameshift variant. On other transcripts: non-coding transcript variant (1).
Genome position (GRCh38, 1-based): chr17:43,076,576, T duplicated on the plus strand (A on the coding strand, the reverse complement: BRCA1 is on the minus strand); the first of 2 consecutive T bases (chr17:43,076,576-43,076,577); duplicating either gives the same sequence. VCF-style (leftmost placement, unchanged base first): chr17-43076575-C-CT. GRCh37 (hg19) VCF-style: chr17-41228592-C-CT.
Other names: c.4396dupA (NM_007294.3); c.4396dup (NM_007294.3); c.4251dup, p.Ser1418Lysfs (NM_001407732.1, NM_001407733.1, NM_001407734.1 and 21 more transcripts); c.4248dup, p.Ser1417Lysfs (NM_001407838.1, NM_001407839.1, NM_001407841.1 and 12 more transcripts); c.4395dup, p.Ser1466Lysfs (NM_001407854.1, NM_001407593.1, NM_001407594.1 and 8 more transcripts); c.4392dup, p.Ser1465Lysfs (NM_001407858.1, NM_001407859.1, NM_001407860.1 and 17 more transcripts); c.4389dup, p.Ser1464Lysfs (NM_001407861.1, NM_001407627.1, NM_001407628.1 and 14 more transcripts); c.4194dup, p.Ser1399Lysfs (NM_001407862.1); and 73 more; short protein forms S1487fs, S362fs, S1419fs, S1466fs.
Identifiers: ClinVar variation 496380 (VCV000496380.15), dbSNP rs397509170, ClinGen allele CA658684036.

ClinVar aggregate classification (germline): Pathogenic/Likely pathogenic. Review status: criteria provided, multiple submitters, no conflicts (2 of 4 stars). 7 submissions from 7 submitters: Pathogenic (6); Likely pathogenic (1). Last evaluated 2026-05-18.

Conditions:
Hereditary breast ovarian cancer syndrome. Also called: Breast and ovarian cancer; Hereditary breast and/or ovarian cancer syndrome; BRCA1- and BRCA2-Associated Hereditary Breast and Ovarian Cancer; Hereditary breast and ovarian cancer syndrome; Hereditary breast and ovarian cancer syndrome (HBOC); Hereditary breast and ovarian cancer. Identifiers: Orphanet 145, MedGen C0677776, MeSH D061325, MONDO:0003582. Disease mechanism: loss of function.
Breast-ovarian cancer, familial, susceptibility to, 1 (BROVCA1). Also called: BRCA1 Hereditary Breast and Ovarian Cancer; OVARIAN CANCER, SUSCEPTIBILITY TO. Identifiers: Orphanet 145, MedGen C2676676, MONDO:0011450, OMIM 604370. Disease mechanism: loss of function.
Hereditary cancer-predisposing syndrome. Also called: Tumor predisposition; Hereditary Cancer Syndrome; Hereditary neoplastic syndrome; Neoplastic Syndromes, Hereditary. Identifiers: Orphanet 140162, MedGen C0027672, MeSH D009386, MONDO:0015356.

Submissions (7):

Ambry Genetics
Classification: Pathogenic for Hereditary cancer-predisposing syndrome. Last evaluated: 2026-05-18. Review status: criteria provided, single submitter. Criteria: Ambry Variant Classification Scheme 2023. Collection method: clinical testing. Allele origin: germline.
Comment: The c.4396dupA alteration, located in exon 13 (coding exon 12) of the BRCA1 gene, consists of a duplication of A at position 4396, causing a translational frameshift with a predicted alternate stop codon after amino acids. This variant is expected to result in loss of function by premature protein truncation or nonsense-mediated mRNA decay. This variant was not reported in population-based cohorts in the Genome Aggregation Database (gnomAD). Based on the available evidence, this alteration is classified as pathogenic.

Labcorp Genetics (formerly Invitae), Labcorp
Classification: Pathogenic for Hereditary breast ovarian cancer syndrome. Last evaluated: 2025-12-08. Review status: criteria provided, single submitter. Criteria: Invitae Variant Classification Sherloc (09022015). Collection method: clinical testing. Allele origin: germline.
Comment: This sequence change creates a premature translational stop signal (p.Ser1466Lysfs*10) in the BRCA1 gene. It is expected to result in an absent or disrupted protein product. Loss-of-function variants in BRCA1 are known to be pathogenic (PMID: 20104584). This variant is not present in population databases (gnomAD no frequency). This variant has not been reported in the literature in individuals affected with BRCA1-related conditions. ClinVar contains an entry for this variant (Variation ID: 496380). RNA analysis performed to evaluate the impact of this premature translational stop signal on mRNA splicing indicates it does not significantly alter splicing (internal data). For these reasons, this variant has been classified as Pathogenic.

Department of Human Genetics, Hannover Medical School
Classification: Pathogenic for Breast-ovarian cancer, familial, susceptibility to, 1. Last evaluated: 2024-12-18. Review status: criteria provided, single submitter. Criteria: ACMG Guidelines, 2015. Collection method: clinical testing. Allele origin: germline. Affected: yes.
Comment: PVS1, PM2_Supporting, PM5_Strong

Quest Diagnostics Nichols Institute San Juan Capistrano
Classification: Pathogenic. Last evaluated: 2024-11-19. Review status: criteria provided, single submitter. Criteria: Quest Diagnostics criteria. Collection method: clinical testing. Allele origin: unknown.
Comment: The BRCA1 c.4396dup (p.Ser1466Lysfs*10) variant alters the translational reading frame of the BRCA1 mRNA and causes the premature termination of BRCA1 protein synthesis. To the best of our knowledge, this variant has not been reported in individuals with BRCA1-related conditions in the published literature. This variant has not been reported in large, multi-ethnic general populations (Genome Aggregation Database). Based on the available information, this variant is classified as pathogenic.

Institute for Clinical Genetics, University Hospital TU Dresden, University Hospital TU Dresden
Classification: Pathogenic. Last evaluated: 2021-11-03. Review status: criteria provided, single submitter. Criteria: ACMG Guidelines, 2015. Collection method: clinical testing. Allele origin: germline.

Color Diagnostics, LLC DBA Color Health
Classification: Pathogenic for Hereditary cancer-predisposing syndrome. Last evaluated: 2020-01-06. Review status: criteria provided, single submitter. Criteria: ACMG Guidelines, 2015. Collection method: clinical testing. Allele origin: germline.
Comment: This variant inserts 1 nucleotide in exon 13 of the BRCA1 gene, creating a frameshift and premature translation stop signal. This variant is expected to result in an absent or non-functional protein product. Splice site prediction tools suggest that this variant may not impact RNA splicing. To our knowledge, functional studies have not been performed for this variant. This variant has not been reported in individuals affected with hereditary cancer in the literature. This variant has not been identified in the general population by the Genome Aggregation Database (gnomAD). Loss of BRCA1 function is a known mechanism of disease. Based on the available evidence, this variant is classified as Pathogenic.

Women's Health and Genetics/Laboratory Corporation of America, LabCorp
Classification: Likely pathogenic for Hereditary breast ovarian cancer syndrome. Last evaluated: 2017-05-10. Review status: criteria provided, single submitter. Criteria: LabCorp Variant Classification Summary - May 2015. Collection method: clinical testing. Allele origin: germline.
Comment: Variant summary: The BRCA1 c.4396dupA (p.Ser1466Lysfs) variant results in a premature termination codon, predicted to cause a truncated or absent BRCA1 protein due to nonsense mediated decay, which are commonly known mechanisms for disease. Truncations downstream of this position have been classified as pathogenic by our laboratory (e.g. c.4401delG, p.Asn1468fs). Mutation taster predicts a damaging outcome for this variant. The variant of interest is absent in a large, broad control population, ExAC in 121378 control chromosomes. The variant of interest has not, to our knowledge, been reported in affected individuals via publications and/or reputable databases/clinical diagnostic laboratories; nor evaluated for functional impact by in vivo/vitro studies. Taken together, this variant is classified as likely pathogenic.

Literature cited by the submitters: PubMed 20104584 (cited by Labcorp Genetics (formerly Invitae), Labcorp); PubMed 32719484 (cited by Quest Diagnostics Nichols Institute San Juan Capistrano).